The following is an entry in ClinVar:

ClinVar aggregate classification (germline): Likely benign. Review status: criteria provided, multiple submitters, no conflicts (2 of 4 stars). 4 submissions from 4 submitters: Likely benign (4). Last evaluated 2026-01-06.

Conditions:
Aortic aneurysm, familial thoracic 6 (AAT6). Also called: FAMILIAL THORACIC AORTIC ANEURYSM WITH LIVEDO RETICULARIS AND IRIS FLOCCULI. Identifiers: MedGen C2673186, MONDO:0012730, OMIM 611788.
Familial thoracic aortic aneurysm and aortic dissection (TAAD). Also called: Thoracic aortic aneurysms and dissections. Identifiers: Orphanet 91387, MedGen C4707243, MONDO:0019625.

Allele frequency attached by ClinVar (database versions not stated): gnomAD 0.00001.
gnomAD v4.1: 4 of 1,613,774 alleles (0.00025%); highest among the groups gnomAD compares: Non-Finnish European, 0.00017%; no homozygotes.

Submissions (4):

Ambry Genetics
Classification: Likely benign for Familial thoracic aortic aneurysm and aortic dissection. Last evaluated: 2026-01-06. Review status: criteria provided, single submitter. Criteria: Ambry Variant Classification Scheme 2023. Collection method: clinical testing. Allele origin: germline.

Labcorp Genetics (formerly Invitae), Labcorp
Classification: Likely benign for Aortic aneurysm, familial thoracic 6. Last evaluated: 2025-08-11. Review status: criteria provided, single submitter. Criteria: Invitae Variant Classification Sherloc (09022015). Collection method: clinical testing. Allele origin: germline.

All of Us Research Program, National Institutes of Health
Classification: Likely benign for Familial thoracic aortic aneurysm and aortic dissection. Last evaluated: 2023-06-08. Review status: criteria provided, single submitter. Criteria: ACMG Guidelines, 2015. Collection method: clinical testing. Allele origin: germline. Inheritance: Autosomal dominant inheritance. Observed: 1 variant allele, 1 heterozygote.
Comment: This study involves interpretation of variants in research participants for the purpose of population health screening. Participant phenotype was not available at the time of variant classification. Additional details can be found in publication PMID: 35346344, PMCID: PMC8962531

Color Diagnostics, LLC DBA Color Health
Classification: Likely benign for Familial thoracic aortic aneurysm and aortic dissection. Last evaluated: 2023-05-24. Review status: criteria provided, single submitter. Criteria: ACMG Guidelines, 2015. Collection method: clinical testing. Allele origin: germline.

NM_001613.4(ACTA2):c.510C>T (p.Gly170=)

Gene: ACTA2 (actin alpha 2, smooth muscle; minus strand). Cytogenetic location: 10q23.31.
Variant type: single nucleotide variant.
Coding change: c.510C>T on transcript NM_001613.4 (MANE Select); coding-DNA position 510, C replaced by T.
Protein change: p.Gly170=; no amino-acid change (glycine 170 retained).
Molecular consequence: synonymous variant.
Genome position (GRCh38, 1-based): chr10:88,941,335, G>A on the plus strand (C>T on the coding strand, the complement: ACTA2 is on the minus strand). VCF-style: chr10-88941335-G-A. GRCh37 (hg19) VCF-style: chr10-90701092-G-A.
Other names: c.510C>T, p.Gly170= (NM_001141945.3, NM_001320855.2, NM_001406462.1 and 3 more transcripts); c.399C>T, p.Gly133= (NM_001406466.1); c.381C>T, p.Gly127= (NM_001406467.1, NM_001406468.1, NM_001406469.1).
Identifiers: ClinVar variation 2146881 (VCV002146881.7), dbSNP rs891270851, ClinGen allele CA470733983.